The following is an entry in ClinVar:

NM_005609.4(PYGM):c.660+1G>A

Gene: PYGM (glycogen phosphorylase, muscle associated; minus strand). Cytogenetic location: 11q13.1.
Variant type: single nucleotide variant.
Coding change: c.660+1G>A on transcript NM_005609.4 (MANE Select); the canonical splice donor site of the intron after coding-DNA position 660, G replaced by A.
Molecular consequence: splice donor variant.
Genome position (GRCh38, 1-based): chr11:64,757,778, C>T on the plus strand (G>A on the coding strand, the complement: PYGM is on the minus strand). VCF-style: chr11-64757778-C-T. GRCh37 (hg19) VCF-style: chr11-64525250-C-T.
Other names: c.396+1G>A (NM_001164716.1).
Identifiers: ClinVar variation 552142 (VCV000552142.14), dbSNP rs1555136208, ClinGen allele CA381107346.

ClinVar aggregate classification (germline): Likely pathogenic. Review status: criteria provided, multiple submitters, no conflicts (2 of 4 stars). 4 submissions from 4 submitters: Likely pathogenic (2). 2 of the submissions do not count toward it. Last evaluated 2024-11-27.

Conditions:
Glycogen storage disease, type V (GSD5). Also called: MCARDLE DISEASE; MUSCLE GLYCOGEN PHOSPHORYLASE DEFICIENCY; MYOPHOSPHORYLASE DEFICIENCY; PYGM DEFICIENCY; McArdle type glycogen storage disease. Identifiers: Orphanet 368, MedGen C0017924, MONDO:0009293, OMIM 232600.

Allele frequency attached by ClinVar (database versions not stated): gnomAD exomes below 0.00001; TOPMed below 0.00001.
gnomAD v4.1: 4 of 1,614,172 alleles (0.00025%); highest among the groups gnomAD compares: Middle Eastern, 0.016%; no homozygotes.

Submissions (4):

Labcorp Genetics (formerly Invitae), Labcorp
Classification: Likely pathogenic for Glycogen storage disease, type V. Last evaluated: 2024-11-27. Review status: criteria provided, single submitter. Criteria: Invitae Variant Classification Sherloc (09022015). Collection method: clinical testing. Allele origin: germline.
Comment: This sequence change affects a donor splice site in intron 5 of the PYGM gene. It is expected to disrupt RNA splicing. Variants that disrupt the donor or acceptor splice site typically lead to a loss of protein function (PMID: 16199547), and loss-of-function variants in PYGM are known to be pathogenic (PMID: 8316268, 16786513). This variant is not present in population databases (gnomAD no frequency). This variant has not been reported in the literature in individuals affected with PYGM-related conditions. ClinVar contains an entry for this variant (Variation ID: 552142). Algorithms developed to predict the effect of sequence changes on RNA splicing suggest that this variant may disrupt the consensus splice site. In summary, the currently available evidence indicates that the variant is pathogenic, but additional data are needed to prove that conclusively. Therefore, this variant has been classified as Likely Pathogenic.

Fulgent Genetics
Classification: Likely pathogenic for Glycogen storage disease, type V. Last evaluated: 2024-01-12. Review status: criteria provided, single submitter. Criteria: ACMG Guidelines, 2015. Collection method: clinical testing. Allele origin: germline.

Natera, Inc.
Classification: Likely pathogenic for Glycogen storage disease V. Last evaluated: 2017-06-26. Review status: no assertion criteria provided. Collection method: clinical testing. Allele origin: germline. Not counted in ClinVar's aggregate classification.

Counsyl
Classification: Likely pathogenic for Glycogen storage disease, type V. Last evaluated: 2017-05-24. Review status: no assertion criteria provided. Collection method: clinical testing. Allele origin: unknown. Not counted in ClinVar's aggregate classification.

Literature cited by the submitters: PubMed 16199547 (cited by Labcorp Genetics (formerly Invitae), Labcorp); PubMed 8316268 (cited by Labcorp Genetics (formerly Invitae), Labcorp); PubMed 16786513 (cited by Labcorp Genetics (formerly Invitae), Labcorp).